The following is an entry in ClinVar:

ClinVar aggregate classification (germline): Uncertain significance. Review status: criteria provided, multiple submitters, no conflicts (2 of 4 stars). 2 submissions from 2 submitters: Uncertain significance (2). Last evaluated 2024-03-28.

Conditions:
Inborn genetic diseases. Identifiers: MedGen C0950123, MeSH D030342.

Allele frequency attached by ClinVar (database versions not stated): TOPMed 0.00002; gnomAD exomes 0.00005; ESP Exome Variant Server 0.00008; ExAC 0.00010.
gnomAD v4.1: 81 of 1,609,926 alleles (0.005%); highest among the groups gnomAD compares: Non-Finnish European, 0.0055%; no homozygotes.

Submissions (2):

Ambry Genetics
Classification: Uncertain significance for Inborn genetic diseases. Last evaluated: 2024-03-28. Review status: criteria provided, single submitter. Criteria: Ambry Variant Classification Scheme 2023. Collection method: clinical testing. Allele origin: germline.

Labcorp Genetics (formerly Invitae), Labcorp
Classification: Uncertain significance. Last evaluated: 2023-06-27. Review status: criteria provided, single submitter. Criteria: Invitae Variant Classification Sherloc (09022015). Collection method: clinical testing. Allele origin: germline.
Comment: This sequence change replaces leucine, which is neutral and non-polar, with valine, which is neutral and non-polar, at codon 505 of the FZD5 protein (p.Leu505Val). This variant is present in population databases (rs376723918, gnomAD 0.008%). This variant has not been reported in the literature in individuals affected with FZD5-related conditions. Advanced modeling of protein sequence and biophysical properties (such as structural, functional, and spatial information, amino acid conservation, physicochemical variation, residue mobility, and thermodynamic stability) performed at Invitae indicates that this missense variant is not expected to disrupt FZD5 protein function. In summary, the available evidence is currently insufficient to determine the role of this variant in disease. Therefore, it has been classified as a Variant of Uncertain Significance.

NM_003468.4(FZD5):c.1513C>G (p.Leu505Val)

Gene: FZD5 (frizzled class receptor 5; minus strand). Cytogenetic location: 2q33.3.
Variant type: single nucleotide variant.
Coding change: c.1513C>G on transcript NM_003468.4 (MANE Select); coding-DNA position 1513, C replaced by G.
Protein change: p.Leu505Val; replaces leucine 505 with valine.
Molecular consequence: missense variant.
Genome position (GRCh38, 1-based): chr2:207,767,227, G>C on the plus strand (C>G on the coding strand, the complement: FZD5 is on the minus strand). VCF-style: chr2-207767227-G-C. GRCh37 (hg19) VCF-style: chr2-208631951-G-C.
Other names: c.1513C>G (NM_003468.3); short protein forms L505V.
Identifiers: ClinVar variation 3023314 (VCV003023314.4), dbSNP rs376723918, ClinGen allele CA2076889.